The following is an entry in ClinVar:

ClinVar aggregate classification (germline): Pathogenic. Review status: criteria provided, multiple submitters, no conflicts (2 of 4 stars). 5 submissions from 5 submitters: Pathogenic (4). 1 of the submissions does not count toward it. Last evaluated 2025-10-09.

Conditions:
Duchenne muscular dystrophy (DMD). Also called: MUSCULAR DYSTROPHY, PSEUDOHYPERTROPHIC PROGRESSIVE, DUCHENNE TYPE; Duchenne Muscular Dystrophy (DMD). Identifiers: Orphanet 98896, MedGen C0013264, MONDO:0010679, OMIM 310200.

Submissions (5):

Institute of Medical Genetics and Genomics, Sir Ganga Ram Hospital
Classification: Pathogenic for Duchenne muscular dystrophy. Last evaluated: 2025-10-09. Review status: criteria provided, single submitter. Criteria: ACMG Guidelines, 2015. Collection method: clinical testing. Allele origin: germline. Inheritance: X-linked inheritance. Affected: yes. Observed: 1 hemizygote.
Comment: The genetic variant NM_004006.3(DMD):c.724C>T (p.Gln242*) is classified as pathogenic according to the ACMG/AMP guidelines. This is a nonsense variant that results in the substitution of a cytosine with a thymine at nucleotide position 724, introducing a premature stop codon at amino acid position 242 of the dystrophin protein. Such truncating mutations are predicted to result in loss of function of the dystrophin protein, either through nonsense-mediated mRNA decay or production of a non-functional truncated protein. Loss of function is a well-established mechanism for Duchenne muscular dystrophy (DMD), a severe X-linked recessive disorder. The classification of this variant as pathogenic is strongly supported by PVS1 (very strong) due to the predicted protein truncation.PM2[ the variant is absent from large population databases] and PS4[This premature translational stop signal has been observed in individual(s) with DMD-related conditions (PMID: 1307253, 8160755, 23536893)].

Revvity Omics, Revvity
Classification: Pathogenic. Last evaluated: 2025-05-29. Review status: criteria provided, single submitter. Criteria: ACMG Guidelines, 2015. Collection method: clinical testing. Allele origin: germline.

Institute of Human Genetics, University of Leipzig Medical Center
Classification: Pathogenic for Duchenne muscular dystrophy. Last evaluated: 2025-03-04. Review status: criteria provided, single submitter. Criteria: ACMG Guidelines, 2015. Collection method: clinical testing. Allele origin: unknown. Inheritance: X-linked recessive inheritance. Affected: yes.
Comment: Criteria applied: PVS1,PS4_MOD,PM2,PP4

Labcorp Genetics (formerly Invitae), Labcorp
Classification: Pathogenic for Duchenne muscular dystrophy. Last evaluated: 2021-09-11. Review status: criteria provided, single submitter. Criteria: Invitae Variant Classification Sherloc (09022015). Collection method: clinical testing. Allele origin: germline.
Comment: This premature translational stop signal has been observed in individual(s) with DMD-related conditions (PMID: 1307253, 8160755, 23536893). This sequence change creates a premature translational stop signal (p.Gln242*) in the DMD gene. It is expected to result in an absent or disrupted protein product. Loss-of-function variants in DMD are known to be pathogenic (PMID: 16770791, 25007885). This variant is not present in population databases (ExAC no frequency). ClinVar contains an entry for this variant (Variation ID: 11242). For these reasons, this variant has been classified as Pathogenic.

OMIM
Classification: Pathogenic for DUCHENNE MUSCULAR DYSTROPHY. Last evaluated: 1994-03-01. Review status: no assertion criteria provided. Collection method: literature only. Allele origin: germline. Not counted in ClinVar's aggregate classification.

Literature cited by the submitters: PubMed 1307253 (cited by Labcorp Genetics (formerly Invitae), Labcorp and OMIM); PubMed 8160755 (cited by Labcorp Genetics (formerly Invitae), Labcorp and OMIM); PubMed 23536893 (cited by Labcorp Genetics (formerly Invitae), Labcorp); PubMed 16770791 (cited by Labcorp Genetics (formerly Invitae), Labcorp); PubMed 25007885 (cited by Labcorp Genetics (formerly Invitae), Labcorp).

NM_004006.3(DMD):c.724C>T (p.Gln242Ter)

Gene: DMD (dystrophin; minus strand). Cytogenetic location: Xp21.1.
Variant type: single nucleotide variant.
Coding change: c.724C>T on transcript NM_004006.3 (MANE Select); coding-DNA position 724, C replaced by T.
Protein change: p.Gln242Ter; replaces glutamine 242 with a stop codon.
Molecular consequence: nonsense.
Genome position (GRCh38, 1-based): chrX:32,699,219, G>A on the plus strand (C>T on the coding strand, the complement: DMD is on the minus strand). VCF-style: chrX-32699219-G-A. GRCh37 (hg19) VCF-style: chrX-32717336-G-A.
Other names: c.700C>T, p.Gln234Ter (NM_000109.4); c.712C>T, p.Gln238Ter (NM_004009.3); c.355C>T, p.Gln119Ter (NM_004010.3); short protein forms Q242*, Q119*, Q234*, Q238*.
Identifiers: ClinVar variation 11242 (VCV000011242.12), dbSNP rs128626238, ClinGen allele CA341043.